The following is an entry in ClinVar:

ClinVar aggregate classification (germline): Benign/Likely benign. Review status: criteria provided, multiple submitters, no conflicts (2 of 4 stars). 11 submissions from 11 submitters: Benign (3); Likely benign (5). 3 of the submissions do not count toward it. Last evaluated 2026-02-02.

Conditions:
Symmetrical dyschromatosis of extremities (DSH). Also called: SYMMETRIC DYSCHROMATOSIS OF THE EXTREMITIES; Dyschromatosis symmetrica hereditaria; DYSCHROMATOSIS SYMMETRICA HEREDITARIA 1; RETICULATE ACROPIGMENTATION OF DOHI. Identifiers: Orphanet 41, MedGen C0406775, MONDO:0007483, OMIM 127400.
Aicardi-Goutieres syndrome 6 (AGS6). Identifiers: Orphanet 51, MedGen C3539013, MONDO:0014007, OMIM 615010.

Allele frequency attached by ClinVar (database versions not stated): 1000 Genomes Project 0.00040; 1000 Genomes Project 30x 0.00062; ExAC 0.00110; gnomAD 0.00132 and 0.00135; gnomAD exomes 0.00134 and 0.00170; TOPMed 0.00138; ESP Exome Variant Server 0.00146.
gnomAD v4.1: 2,670 of 1,614,142 alleles (0.17%); highest among the groups gnomAD compares: Middle Eastern, 0.35%; 9 homozygotes.

Submissions (11):

Labcorp Genetics (formerly Invitae), Labcorp
Classification: Benign for Aicardi-Goutieres syndrome 6; Symmetrical dyschromatosis of extremities. Last evaluated: 2026-02-02. Review status: criteria provided, single submitter. Criteria: Invitae Variant Classification Sherloc (09022015). Collection method: clinical testing. Allele origin: germline.

CeGaT Center for Human Genetics Tuebingen
Classification: Likely benign. Last evaluated: 2026-01-01. Review status: criteria provided, single submitter. Criteria: CeGaT Center For Human Genetics Tuebingen Variant Classification Criteria Version 2. Collection method: clinical testing. Allele origin: germline. Affected: yes. Observed: 11 variant alleles.
Comment: ADAR: BP4, BP7

Blueprint Genetics
Classification: Likely benign. Last evaluated: 2024-11-15. Review status: criteria provided, single submitter. Criteria: ACMG Guidelines, 2015. Collection method: clinical testing. Allele origin: germline.

Mayo Clinic Laboratories, Mayo Clinic
Classification: Benign. Last evaluated: 2024-03-19. Review status: criteria provided, single submitter. Criteria: ACMG Guidelines, 2015. Collection method: clinical testing. Allele origin: germline. Observed: 2 variant alleles.
Comment: BS1, BS2, BP4, BP7

Genome-Nilou Lab
Classification: Likely benign for Aicardi-Goutieres syndrome 6. Last evaluated: 2023-04-11. Review status: criteria provided, single submitter. Criteria: ACMG Guidelines, 2015. Collection method: clinical testing. Allele origin: germline. Affected: no.

GeneDx
Classification: Likely benign. Last evaluated: 2020-09-11. Review status: criteria provided, single submitter. Criteria: GeneDx Variant Classification Process June 2021. Collection method: clinical testing. Allele origin: germline. Affected: yes.

Illumina Laboratory Services, Illumina
Classification: Benign for Symmetrical dyschromatosis of extremities. Last evaluated: 2018-01-13. Review status: criteria provided, single submitter. Criteria: ICSL Variant Classification Criteria 13 December 2019. Collection method: clinical testing. Allele origin: germline.
Comment: This variant was observed in the ICSL laboratory as part of a predisposition screen in an ostensibly healthy population. It had not been previously curated by ICSL or reported in the Human Gene Mutation Database (HGMD: prior to June 1st, 2018), and was therefore a candidate for classification through an automated scoring system. Utilizing variant allele frequency, disease prevalence and penetrance estimates, and inheritance mode, an automated score was calculated to assess if this variant is too frequent to cause the disease. Based on the score and internal cut-off values, a variant classified as benign is not then subjected to further curation. The score for this variant resulted in a classification of benign for this disease.

Breakthrough Genomics
Classification: Likely benign. Review status: criteria provided, single submitter. Criteria: ACMG Guidelines, 2015. Collection method: not provided. Allele origin: germline. Inheritance: Autosomal recessive inheritance. Affected: yes.

Clinical Genetics DNA and cytogenetics Diagnostics Lab, Erasmus MC, Erasmus Medical Center
Classification: Likely benign. Review status: no assertion criteria provided. Collection method: clinical testing. Allele origin: germline. Affected: yes. Study: VKGL Data-share Consensus. Not counted in ClinVar's aggregate classification.

Diagnostic Laboratory, Department of Genetics, University Medical Center Groningen
Classification: Likely benign. Review status: no assertion criteria provided. Collection method: clinical testing. Allele origin: germline. Affected: yes. Study: VKGL Data-share Consensus. Not counted in ClinVar's aggregate classification.

Genome Diagnostics Laboratory, University Medical Center Utrecht
Classification: Likely benign. Review status: no assertion criteria provided. Collection method: clinical testing. Allele origin: germline. Affected: yes. Study: VKGL Data-share Consensus. Not counted in ClinVar's aggregate classification.

NM_001111.5(ADAR):c.1926T>C (p.His642=)

Gene: ADAR (adenosine deaminase RNA specific; minus strand). Cytogenetic location: 1q21.3.
Variant type: single nucleotide variant.
Coding change: c.1926T>C on transcript NM_001111.5 (MANE Select); coding-DNA position 1926, T replaced by C.
Protein change: p.His642=; no amino-acid change (histidine 642 retained).
Molecular consequence: synonymous variant.
Genome position (GRCh38, 1-based): chr1:154,597,836, A>G on the plus strand (T>C on the coding strand, the complement: ADAR is on the minus strand). VCF-style: chr1-154597836-A-G. GRCh37 (hg19) VCF-style: chr1-154570312-A-G.
Other names: p.His642=; c.1926T>C, p.His642= (LRG_1212t1, NM_015840.4, NM_015841.4); c.1041T>C, p.His347= (NM_001025107.3, NM_001193495.2, NM_001365046.1 and 3 more transcripts); c.1953T>C, p.His651= (NM_001365045.1).
Identifiers: ClinVar variation 292771 (VCV000292771.51), dbSNP rs150171059, ClinGen allele CA1131431.